The following is an entry in ClinVar:

ClinVar aggregate classification (germline): Uncertain significance (1 of 4 stars; one submission).

Submission:

Women's Health and Genetics/Laboratory Corporation of America, LabCorp
Classification: Uncertain significance. Last evaluated: 2025-05-19. Review status: criteria provided, single submitter. Criteria: LabCorp Variant Classification Summary - May 2015. Collection method: clinical testing. Allele origin: germline.
Comment: Variant summary: C1S c.107T>C (p.Val36Ala) results in a non-conservative amino acid change in the encoded protein sequence. Algorithms developed to predict the effect of missense changes on protein structure and function are either unavailable or do not agree on the potential impact of this missense change. The variant allele was found at a frequency of 1.2e-05 in 251470 control chromosomes. The available data on variant occurrences in the general population are insufficient to allow any conclusion about variant significance. To our knowledge, no occurrence of c.107T>C in individuals affected with Complement component C1s deficiency and no experimental evidence demonstrating its impact on protein function have been reported. No submitters have cited clinical-significance assessments for this variant to ClinVar. Based on the evidence outlined above, the variant was classified as uncertain significance.

NM_001734.5(C1S):c.107T>C (p.Val36Ala)

Gene: C1S (complement C1s; plus strand). Cytogenetic location: 12p13.31.
Variant type: single nucleotide variant.
Coding change: c.107T>C on transcript NM_001734.5 (MANE Select); coding-DNA position 107, T replaced by C.
Protein change: p.Val36Ala; replaces valine 36 with alanine.
Molecular consequence: missense variant. On other transcripts: intron variant (1).
Genome position (GRCh38, 1-based): chr12:7,062,576, T>C. VCF-style: chr12-7062576-T-C. GRCh37 (hg19) VCF-style: chr12-7169880-T-C.
Other names: c.107T>C, p.Val36Ala (NM_201442.4); c.-288-314T>C (NM_001346850.2); short protein forms V36A.
Identifiers: ClinVar variation 3902128 (VCV003902128.1).
Genomic context (GRCh38, chr12:7,062,576, plus strand): 5'-AGCCTACCATGTATGGGGAGATCCTGTCCCCTAACTATCCTCAGGCATATCCCAGTGAGG[T>C]AGAGAAATCTTGGGACATAGAAGTTCCTGAAGGGTATGGGATTCACCTCTACTTCACCCA-3'
Protein context (NP_001725.1, residues 26-46): PNYPQAYPSE[Val36Ala]EKSWDIEVPE